The following is an entry in ClinVar:

ClinVar aggregate classification (germline): Likely benign (1 of 4 stars; one submission).

Allele frequency attached by ClinVar (database versions not stated): ESP Exome Variant Server 0.00016; ExAC 0.00034; gnomAD 0.00034; gnomAD exomes 0.00038; 1000 Genomes Project 30x 0.00078; 1000 Genomes Project 0.00080.
gnomAD v4.1: 607 of 1,614,116 alleles (0.038%); highest among the groups gnomAD compares: Middle Eastern, 0.38%; no homozygotes.

Submission:

CeGaT Center for Human Genetics Tuebingen
Classification: Likely benign. Last evaluated: 2022-11-01. Review status: criteria provided, single submitter. Criteria: CeGaT Center For Human Genetics Tuebingen Variant Classification Criteria Version 2. Collection method: clinical testing. Allele origin: germline. Affected: yes. Observed: 1 variant allele.
Comment: NAV3: BP4, BP7

NM_001024383.2(NAV3):c.1077C>A (p.Pro359=)

Gene: NAV3 (neuron navigator 3; plus strand). Cytogenetic location: 12q21.2.
Variant type: single nucleotide variant.
Coding change: c.1077C>A on transcript NM_001024383.2 (MANE Select); coding-DNA position 1077, C replaced by A.
Protein change: p.Pro359=; no amino-acid change (proline 359 retained).
Molecular consequence: synonymous variant.
Genome position (GRCh38, 1-based): chr12:78,006,615, C>A. VCF-style: chr12-78006615-C-A. GRCh37 (hg19) VCF-style: chr12-78400395-C-A.
Other names: c.1077C>A, p.Pro359= (NM_014903.6).
Identifiers: ClinVar variation 2643184 (VCV002643184.24), dbSNP rs368953799, ClinGen allele CA6697008.
Genomic context (GRCh38, chr12:78,006,615, plus strand): 5'-CAAACACAGTGCCACCTCCACCATGTTGACTGTAAAGCAGTCAAGTACAGCCACCTCCCC[C>A]ACACCATCTTCAGACAGACTGAAGCCACCTGTCTCAGAAGGGGTCAAAACTGCTCCCTCA-3'
Protein context (NP_001019554.1, residues 349-369): TVKQSSTATS[Pro359=]TPSSDRLKPP